The following is an entry in ClinVar:

NM_001267550.2(TTN):c.19744C>T (p.Arg6582Ter)

Genes: TTN (titin; minus strand), LOC126806429 (BRD4-independent group 4 enhancer GRCh37_chr2:179591393-179592592; plus strand). Cytogenetic location: 2q31.2.
Variant type: single nucleotide variant.
Coding change: c.19744C>T on transcript NM_001267550.2 (MANE Select); coding-DNA position 19744, C replaced by T.
Protein change: p.Arg6582Ter; replaces arginine 6582 with a stop codon.
Molecular consequence: nonsense. On other transcripts: intron variant (3).
Genome position (GRCh38, 1-based): chr2:178,727,834, G>A on the plus strand (C>T on the coding strand, the complement: TTN is on the minus strand). VCF-style: chr2-178727834-G-A. GRCh37 (hg19) VCF-style: chr2-179592561-G-A.
Other names: c.18793C>T, p.Arg6265Ter (NM_001256850.1); c.16012C>T, p.Arg5338Ter (NM_133378.4); c.13282+10248C>T (NM_003319.4); c.13858+10248C>T (NM_133437.4); c.13657+10248C>T (NM_133432.3); short protein forms R6582*, R5338*, R6265*.
Identifiers: ClinVar variation 198357 (VCV000198357.15), dbSNP rs794727829, ClinGen allele CA246957.

ClinVar aggregate classification (germline): Conflicting classifications of pathogenicity. Review status: criteria provided, conflicting classifications (1 of 4 stars). 3 submissions from 3 submitters: Likely pathogenic (1); Uncertain significance (2). Last evaluated 2025-03-17.

Conditions:
Autosomal recessive limb-girdle muscular dystrophy type 2J (LGMDR10). Also called: Limb-girdle muscular dystrophy, type 2J; MUSCULAR DYSTROPHY, LIMB-GIRDLE, AUTOSOMAL RECESSIVE 10. Identifiers: Orphanet 140922, MedGen C1837342, MONDO:0012127, OMIM 608807.
Dilated cardiomyopathy 1G (CMD1G). Identifiers: Orphanet 154, MedGen C1858763, MONDO:0011400, OMIM 604145.
Cardiomyopathy (CMYO). Also called: Cardiomyopathies. Identifiers: Orphanet 167848, MedGen C0878544, MONDO:0004994, HP:0001638. Inheritance: Various modes of inheritance.

Allele frequency attached by ClinVar (database versions not stated): gnomAD exomes below 0.00001 and 0.00001; TOPMed 0.00001.

Submissions (3):

Labcorp Genetics (formerly Invitae), Labcorp
Classification: Likely pathogenic for Dilated cardiomyopathy 1G; Autosomal recessive limb-girdle muscular dystrophy type 2J. Last evaluated: 2025-03-17. Review status: criteria provided, single submitter. Criteria: Invitae Variant Classification Sherloc (09022015). Collection method: clinical testing. Allele origin: germline.
Comment: This sequence change creates a premature translational stop signal (p.Arg6582*) in the TTN gene. While this is not anticipated to result in nonsense mediated decay, it is expected to create a truncated TTN protein. The frequency data for this variant in the population databases is considered unreliable, as metrics indicate poor data quality at this position in the gnomAD database. This variant has not been reported in the literature in individuals affected with TTN-related conditions. ClinVar contains an entry for this variant (Variation ID: 198357). Algorithms developed to predict the effect of sequence changes on RNA splicing suggest that this variant may disrupt the consensus splice site. This variant is located in the I band of TTN (PMID: 25589632). Truncating variants in this region have been reported in individuals affected with autosomal recessive centronuclear myopathy (PMID: 23975875, internal data). Truncating variants in this region have also been identified in individuals affected with autosomal dominant dilated cardiomyopathy and/or cardio-related conditions (PMID: 27869827, 32964742, internal data). In summary, the currently available evidence indicates that the variant is pathogenic, but additional data are needed to prove that conclusively. Therefore, this variant has been classified as Likely Pathogenic.

CHEO Genetics Diagnostic Laboratory, Children's Hospital of Eastern Ontario
Classification: Uncertain significance for Cardiomyopathy. Last evaluated: 2017-11-06. Review status: criteria provided, single submitter. Criteria: ACMG Guidelines, 2015. Collection method: clinical testing. Allele origin: germline.

Eurofins Ntd Llc (ga)
Classification: Uncertain significance. Last evaluated: 2015-03-25. Review status: criteria provided, single submitter. Criteria: EGL Classification Definitions 2015. Collection method: clinical testing. Allele origin: germline. Observed: 2 variant alleles, 2 heterozygotes.

Literature cited by the submitters: PubMed 25589632 (cited by Labcorp Genetics (formerly Invitae), Labcorp); PubMed 23975875 (cited by Labcorp Genetics (formerly Invitae), Labcorp); PubMed 27869827 (cited by Labcorp Genetics (formerly Invitae), Labcorp); PubMed 32964742 (cited by Labcorp Genetics (formerly Invitae), Labcorp).